The following is an entry in ClinVar:

NM_006939.4(SOS2):c.2160A>C (p.Arg720Ser)

Gene: SOS2 (SOS Ras/Rho guanine nucleotide exchange factor 2; minus strand). Cytogenetic location: 14q21.3.
Variant type: single nucleotide variant.
Coding change: c.2160A>C on transcript NM_006939.4 (MANE Select); coding-DNA position 2160, A replaced by C.
Protein change: p.Arg720Ser; replaces arginine 720 with serine.
Molecular consequence: missense variant.
Genome position (GRCh38, 1-based): chr14:50,153,071, T>G on the plus strand (A>C on the coding strand, the complement: SOS2 is on the minus strand). VCF-style: chr14-50153071-T-G. GRCh37 (hg19) VCF-style: chr14-50619789-T-G.
Other names: c.2061A>C, p.Arg687Ser (NM_001411020.1); short protein forms R687S, R720S.
Identifiers: ClinVar variation 4529805 (VCV004529805.1).

ClinVar aggregate classification (germline): Uncertain significance (1 of 4 stars; one submission).

Submission:

GeneDx
Classification: Uncertain significance. Last evaluated: 2025-05-07. Review status: criteria provided, single submitter. Criteria: GeneDx Variant Classification Process June 2021. Collection method: clinical testing. Allele origin: germline. Affected: yes.
Comment: Not observed at significant frequency in large population cohorts (gnomAD); In silico analysis supports a deleterious effect on splicing; In silico analysis suggests that this missense variant does not alter protein structure/function; Has not been previously published as pathogenic or benign to our knowledge